The following is an entry in ClinVar:

ClinVar aggregate classification (germline): Benign/Likely benign. Review status: criteria provided, multiple submitters, no conflicts (2 of 4 stars). 4 submissions from 4 submitters: Benign (1); Likely benign (3). Last evaluated 2026-01-13.

Conditions:
Anemia, congenital dyserythropoietic, type 1a (CDAN1A). Also called: DYSERYTHROPOIETIC ANEMIA, CONGENITAL, TYPE Ia; CDAN1-Related Congenital Dyserythropoietic Anemia. Identifiers: MedGen C5574667, MONDO:0009135, OMIM 224120.

Allele frequency attached by ClinVar (database versions not stated): gnomAD 0.00004 and 0.00062; ESP Exome Variant Server 0.00015; TOPMed 0.00022; gnomAD exomes 0.00107 and 0.00215; ExAC 0.00355; 1000 Genomes Project 30x 0.00453; 1000 Genomes Project 0.00459.
gnomAD v4.1: 1,643 of 1,589,162 alleles (0.1%); highest among the groups gnomAD compares: South Asian, 1.7%; 26 homozygotes.

Submissions (4):

Labcorp Genetics (formerly Invitae), Labcorp
Classification: Benign. Last evaluated: 2026-01-13. Review status: criteria provided, single submitter. Criteria: Invitae Variant Classification Sherloc (09022015). Collection method: clinical testing. Allele origin: germline.

Mayo Clinic Laboratories, Mayo Clinic
Classification: Likely benign. Last evaluated: 2024-02-06. Review status: criteria provided, single submitter. Criteria: ACMG Guidelines, 2015. Collection method: clinical testing. Allele origin: germline. Observed: 4 variant alleles.
Comment: BS1, BP4

ARUP Laboratories, Molecular Genetics and Genomics, ARUP Laboratories
Classification: Likely benign for Anemia, congenital dyserythropoietic, type 1a. Last evaluated: 2023-03-17. Review status: criteria provided, single submitter. Criteria: ARUP Molecular Germline Variant Investigation Process 2024. Collection method: clinical testing. Allele origin: germline.

Breakthrough Genomics
Classification: Likely benign. Review status: criteria provided, single submitter. Criteria: ACMG Guidelines, 2015. Collection method: not provided. Allele origin: germline. Inheritance: Autosomal recessive inheritance. Affected: yes.

NM_138477.4(CDAN1):c.3046G>A (p.Ala1016Thr)

Gene: CDAN1 (codanin 1; minus strand). Cytogenetic location: 15q15.2.
Variant type: single nucleotide variant.
Coding change: c.3046G>A on transcript NM_138477.4 (MANE Select); coding-DNA position 3046, G replaced by A.
Protein change: p.Ala1016Thr; replaces alanine 1016 with threonine.
Molecular consequence: missense variant.
Genome position (GRCh38, 1-based): chr15:42,727,671, C>T on the plus strand (G>A on the coding strand, the complement: CDAN1 is on the minus strand). VCF-style: chr15-42727671-C-T. GRCh37 (hg19) VCF-style: chr15-43019869-C-T.
Other names: p.Ala1016Thr; short protein forms A1016T.
Identifiers: ClinVar variation 1330421 (VCV001330421.16), dbSNP rs369116219, ClinGen allele CA7515323.